The following is an entry in ClinVar:

ClinVar aggregate classification (germline): Likely benign. Review status: criteria provided, multiple submitters, no conflicts (2 of 4 stars). 2 submissions from 2 submitters: Likely benign (2). Last evaluated 2023-03-22.

Allele frequency attached by ClinVar (database versions not stated): gnomAD exomes 0.00001 and 0.00005; TOPMed 0.00001.
gnomAD v4.1: 75 of 1,613,664 alleles (0.0046%); highest among the groups gnomAD compares: Non-Finnish European, 0.0062%; no homozygotes.

Submissions (2):

Labcorp Genetics (formerly Invitae), Labcorp
Classification: Likely benign. Last evaluated: 2023-03-22. Review status: criteria provided, single submitter. Criteria: Invitae Variant Classification Sherloc (09022015). Collection method: clinical testing. Allele origin: germline.

GeneDx
Classification: Likely benign. Last evaluated: 2016-07-15. Review status: criteria provided, single submitter. Criteria: GeneDx Variant Classification (06012015). Collection method: clinical testing. Allele origin: germline. Affected: yes.
Comment: This variant is considered likely benign or benign based on one or more of the following criteria: it is a conservative change, it occurs at a poorly conserved position in the protein, it is predicted to be benign by multiple in silico algorithms, and/or has population frequency not consistent with disease.

NM_005431.2(XRCC2):c.39+12C>T

Gene: XRCC2 (X-ray repair cross complementing 2; minus strand). Cytogenetic location: 7q36.1.
Variant type: single nucleotide variant.
Coding change: c.39+12C>T on transcript NM_005431.2 (MANE Select); 12 bases into the intron after coding-DNA position 39, C replaced by T.
Molecular consequence: intron variant.
Genome position (GRCh38, 1-based): chr7:152,676,029, G>A on the plus strand (C>T on the coding strand, the complement: XRCC2 is on the minus strand). VCF-style: chr7-152676029-G-A. GRCh37 (hg19) VCF-style: chr7-152373114-G-A.
Identifiers: ClinVar variation 387865 (VCV000387865.5), dbSNP rs1057522924, ClinGen allele CA16605309.